The following is an entry in ClinVar:

ClinVar aggregate classification (germline): Likely benign (1 of 4 stars; one submission).

Conditions:
ATP11A-related disorder. Also called: ATP11A-related condition.

gnomAD v4.1: 117 of 1,610,410 alleles (0.0073%); highest among the groups gnomAD compares: Admixed American, 0.012%; no homozygotes.

Submission:

PreventionGenetics, part of Exact Sciences
Classification: Likely benign for ATP11A-related condition. Last evaluated: 2025-02-14. Review status: criteria provided, single submitter. Criteria: ACMG Guidelines, 2015. Collection method: clinical testing. Allele origin: germline.
Comment: This variant is classified as likely benign based on ACMG/AMP sequence variant interpretation guidelines (Richards et al. 2015 PMID: 25741868, with internal and published modifications).

NM_015205.3(ATP11A):c.3077A>G (p.Tyr1026Cys)

Genes: ATP11A (ATPase phospholipid transporting 11A; plus strand), LOC126861868 (CDK7 strongly-dependent group 2 enhancer GRCh37_chr13:113526644-113527843; plus strand). Cytogenetic location: 13q34.
Variant type: single nucleotide variant.
Coding change: c.3077A>G on transcript NM_015205.3 (MANE Select); coding-DNA position 3077, A replaced by G.
Protein change: p.Tyr1026Cys; replaces tyrosine 1026 with cysteine.
Molecular consequence: missense variant.
Genome position (GRCh38, 1-based): chr13:112,873,592, A>G. VCF-style: chr13-112873592-A-G. GRCh37 (hg19) VCF-style: chr13-113527906-A-G.
Other names: c.3077A>G, p.Tyr1026Cys (NM_001405661.1, NM_001405662.1, NM_001405663.1 and 1 more transcripts); short protein forms Y1026C.
Identifiers: ClinVar variation 4978761 (VCV004978761.1).